The following is an entry in ClinVar:

ClinVar aggregate classification (germline): Uncertain significance (1 of 4 stars; one submission).

Allele frequency attached by ClinVar (database versions not stated): ExAC 0.00003; gnomAD 0.00003; TOPMed 0.00004; ESP Exome Variant Server 0.00008.
gnomAD v4.1: 26 of 1,613,760 alleles (0.0016%); highest among the groups gnomAD compares: East Asian, 0.0022%; no homozygotes.

Submission:

Greenwood Genetic Center Diagnostic Laboratories, Greenwood Genetic Center
Classification: Uncertain significance. Last evaluated: 2022-09-13. Review status: criteria provided, single submitter. Criteria: ACMG Guidelines, 2015. Collection method: clinical testing. Allele origin: germline. Affected: yes.
Comment: PM2, BP4, PP2

NM_003922.4(HERC1):c.7309G>A (p.Ala2437Thr)

Gene: HERC1 (HECT and RLD domain containing E3 ubiquitin protein ligase family member 1; minus strand). Cytogenetic location: 15q22.31.
Variant type: single nucleotide variant.
Coding change: c.7309G>A on transcript NM_003922.4 (MANE Select); coding-DNA position 7309, G replaced by A.
Protein change: p.Ala2437Thr; replaces alanine 2437 with threonine.
Molecular consequence: missense variant.
Genome position (GRCh38, 1-based): chr15:63,674,879, C>T on the plus strand (G>A on the coding strand, the complement: HERC1 is on the minus strand). VCF-style: chr15-63674879-C-T. GRCh37 (hg19) VCF-style: chr15-63967078-C-T.
Other names: short protein forms A2437T.
Identifiers: ClinVar variation 1710398 (VCV001710398.3), dbSNP rs367997811, ClinGen allele CA7605173.